The following is an entry in ClinVar:

NM_003238.6(TGFB2):c.458G>C (p.Arg153Pro)

Gene: TGFB2 (transforming growth factor beta 2; plus strand). Cytogenetic location: 1q41.
Variant type: single nucleotide variant.
Coding change: c.458G>C on transcript NM_003238.6 (MANE Select); coding-DNA position 458, G replaced by C.
Protein change: p.Arg153Pro; replaces arginine 153 with proline.
Molecular consequence: missense variant. On other transcripts: non-coding transcript variant (2).
Genome position (GRCh38, 1-based): chr1:218,405,280, G>C. VCF-style: chr1-218405280-G-C. GRCh37 (hg19) VCF-style: chr1-218578622-G-C.
Other names: c.542G>C, p.Arg181Pro (NM_001135599.4); short protein forms R153P, R181P.
Identifiers: ClinVar variation 3325694 (VCV003325694.1).
Genomic context (GRCh38, chr1:218,405,280, plus strand): 5'-ACGTCTCAGCAATGGAGAAGAATGCTTCCAATTTGGTGAAAGCAGAGTTCAGAGTCTTTC[G>C]TTTGCAGAACCCAAAAGCCAGAGTGCCTGAACAACGGATTGAGCTATATCAGGTAATGTT-3'
Protein context (NP_003229.1, residues 143-163): NLVKAEFRVF[Arg153Pro]LQNPKARVPE

ClinVar aggregate classification (germline): Uncertain significance (1 of 4 stars; one submission).

Conditions:
Familial thoracic aortic aneurysm and aortic dissection (TAAD). Also called: Thoracic aortic aneurysms and dissections. Identifiers: Orphanet 91387, MedGen C4707243, MONDO:0019625.

Submission:

Ambry Genetics
Classification: Uncertain significance for Familial thoracic aortic aneurysm and aortic dissection. Last evaluated: 2024-05-19. Review status: criteria provided, single submitter. Criteria: Ambry Variant Classification Scheme 2023. Collection method: clinical testing. Allele origin: germline.
Comment: The p.R153P variant (also known as c.458G>C), located in coding exon 2 of the TGFB2 gene, results from a G to C substitution at nucleotide position 458. The arginine at codon 153 is replaced by proline, an amino acid with dissimilar properties. This amino acid position is conserved. In addition, this alteration is predicted to be deleterious by in silico analysis. Based on the available evidence, the clinical significance of this variant remains unclear.